The following is an entry in ClinVar:

ClinVar aggregate classification (germline): Uncertain significance (1 of 4 stars; one submission).

Conditions:
Diamond-Blackfan anemia. Also called: Blackfan Diamond syndrome; Aregenerative anemia chronic congenital; Red cell aplasia, pure hereditary; Congenital hypoplastic anemia; Aase syndrome. Identifiers: Orphanet 124, MedGen C1260899, MeSH D029503, MONDO:0015253, HP:0004810.

Allele frequency attached by ClinVar (database versions not stated): TOPMed below 0.00001.

Submission:

Labcorp Genetics (formerly Invitae), Labcorp
Classification: Uncertain significance for Diamond-Blackfan anemia. Last evaluated: 2024-01-05. Review status: criteria provided, single submitter. Criteria: Invitae Variant Classification Sherloc (09022015). Collection method: clinical testing. Allele origin: germline.
Comment: This sequence change replaces methionine, which is neutral and non-polar, with valine, which is neutral and non-polar, at codon 200 of the RPL5 protein (p.Met200Val). This variant is not present in population databases (gnomAD no frequency). This variant has not been reported in the literature in individuals affected with RPL5-related conditions. Advanced modeling of protein sequence and biophysical properties (such as structural, functional, and spatial information, amino acid conservation, physicochemical variation, residue mobility, and thermodynamic stability) performed at Invitae indicates that this missense variant is not expected to disrupt RPL5 protein function with a negative predictive value of 80%. In summary, the available evidence is currently insufficient to determine the role of this variant in disease. Therefore, it has been classified as a Variant of Uncertain Significance.

NM_000969.5(RPL5):c.598A>G (p.Met200Val)

Genes: DIPK1A (divergent protein kinase domain 1A; minus strand), RPL5 (ribosomal protein L5; plus strand). Cytogenetic location: 1p22.1.
Variant type: single nucleotide variant.
Coding change: c.598A>G on transcript NM_000969.5 (MANE Select); coding-DNA position 598, A replaced by G.
Protein change: p.Met200Val; replaces methionine 200 with valine.
Molecular consequence: missense variant. On other transcripts: non-coding transcript variant (1), intron variant (1).
Genome position (GRCh38, 1-based): chr1:92,837,526, A>G. VCF-style: chr1-92837526-A-G. GRCh37 (hg19) VCF-style: chr1-93303083-A-G.
Other names: c.475-4492T>C (NM_001252273.2); short protein forms M200V.
Identifiers: ClinVar variation 2972079 (VCV002972079.3), dbSNP rs1687176670, ClinGen allele CA341242917.